The following is an entry in ClinVar:

NM_025114.4(CEP290):c.4096G>C (p.Val1366Leu)

Gene: CEP290 (centrosomal protein 290; minus strand). Cytogenetic location: 12q21.32.
Variant type: single nucleotide variant.
Coding change: c.4096G>C on transcript NM_025114.4 (MANE Select); coding-DNA position 4096, G replaced by C.
Protein change: p.Val1366Leu; replaces valine 1366 with leucine.
Molecular consequence: missense variant.
Genome position (GRCh38, 1-based): chr12:88,087,878, C>G on the plus strand (G>C on the coding strand, the complement: CEP290 is on the minus strand). VCF-style: chr12-88087878-C-G. GRCh37 (hg19) VCF-style: chr12-88481655-C-G.
Other names: short protein forms V1366L.
Identifiers: ClinVar variation 3346318 (VCV003346318.1).

ClinVar aggregate classification (germline): Uncertain significance (0 of 4 stars; one submission).

Conditions:
CEP290-related disorder. Also called: CEP290-related condition; CEP290-related disorders. Identifiers: MedGen CN239314.

gnomAD v4.1: 2 of 1,235,822 alleles (0.00016%); highest among the groups gnomAD compares: Non-Finnish European, 0.00021%; no homozygotes.

Submission:

PreventionGenetics, part of Exact Sciences
Classification: Uncertain significance for CEP290-related condition. Last evaluated: 2024-07-11. Review status: no assertion criteria provided. Collection method: clinical testing. Allele origin: germline.
Comment: The CEP290 c.4096G>C variant is predicted to result in the amino acid substitution p.Val1366Leu. To our knowledge, this variant has not been reported in the literature or in a large population database, indicating this variant is rare. At this time, the clinical significance of this variant is uncertain due to the absence of conclusive functional and genetic evidence.